The following is an entry in ClinVar:

NM_000152.5(GAA):c.1303G>A (p.Gly435Ser)

Gene: GAA (alpha glucosidase; plus strand). Cytogenetic location: 17q25.3.
Variant type: single nucleotide variant.
Coding change: c.1303G>A on transcript NM_000152.5 (MANE Select); coding-DNA position 1303, G replaced by A.
Protein change: p.Gly435Ser; replaces glycine 435 with serine.
Molecular consequence: missense variant.
Genome position (GRCh38, 1-based): chr17:80,108,805, G>A. VCF-style: chr17-80108805-G-A. GRCh37 (hg19) VCF-style: chr17-78082604-G-A.
Other names: c.1303G>A, p.Gly435Ser (NM_001079803.3, NM_001079804.3, NM_001406741.1 and 1 more transcripts); short protein forms G435S.
Identifiers: ClinVar variation 2146616 (VCV002146616.1), dbSNP rs755829900, ClinGen allele CA8815254.

ClinVar aggregate classification (germline): Uncertain significance (1 of 4 stars; one submission).

Conditions:
Glycogen storage disease, type II (IOPD). Also called: POMPE DISEASE, INFANTILE-ONSET; GLYCOGEN STORAGE DISEASE II, INFANTILE-ONSET; ACID ALPHA-GLUCOSIDASE DEFICIENCY, INFANTILE-ONSET; GAA DEFICIENCY, INFANTILE-ONSET; ACID MALTASE DEFICIENCY, INFANTILE-ONSET; CARDIOMEGALIA GLYCOGENICA DIFFUSA. Identifiers: Orphanet 365, MedGen C0017921, MONDO:0009290, OMIM 232300.

Allele frequency attached by ClinVar (database versions not stated): gnomAD exomes 0.00001; TOPMed 0.00001; ExAC 0.00003.
gnomAD v4.1: 17 of 1,601,130 alleles (0.0011%); highest among the groups gnomAD compares: South Asian, 0.0067%; no homozygotes.

Submission:

Labcorp Genetics (formerly Invitae), Labcorp
Classification: Uncertain significance for Glycogen storage disease, type II. Last evaluated: 2022-08-07. Review status: criteria provided, single submitter. Criteria: Invitae Variant Classification Sherloc (09022015). Collection method: clinical testing. Allele origin: germline.
Comment: This sequence change replaces glycine, which is neutral and non-polar, with serine, which is neutral and polar, at codon 435 of the GAA protein (p.Gly435Ser). This variant is present in population databases (rs755829900, gnomAD 0.01%). This variant has not been reported in the literature in individuals affected with GAA-related conditions. Advanced modeling of protein sequence and biophysical properties (such as structural, functional, and spatial information, amino acid conservation, physicochemical variation, residue mobility, and thermodynamic stability) performed at Invitae indicates that this missense variant is expected to disrupt GAA protein function. In summary, the available evidence is currently insufficient to determine the role of this variant in disease. Therefore, it has been classified as a Variant of Uncertain Significance.